The following is an entry in ClinVar:

NM_012463.4(ATP6V0A2):c.2490C>T (p.Tyr830=)

Gene: ATP6V0A2 (ATPase H+ transporting V0 subunit a2; plus strand). Cytogenetic location: 12q24.31.
Variant type: single nucleotide variant.
Coding change: c.2490C>T on transcript NM_012463.4 (MANE Select); coding-DNA position 2490, C replaced by T.
Protein change: p.Tyr830=; no amino-acid change (tyrosine 830 retained).
Molecular consequence: synonymous variant.
Genome position (GRCh38, 1-based): chr12:123,757,951, C>T. VCF-style: chr12-123757951-C-T. GRCh37 (hg19) VCF-style: chr12-124242498-C-T.
Other names: c.2490C>T (NM_012463.3).
Identifiers: ClinVar variation 2153214 (VCV002153214.2), dbSNP rs377725348, ClinGen allele CA6862274.
Genomic context (GRCh38, chr12:123,757,951, plus strand): 5'-AATCTTCCATTAATACATGGCTTTTTTTTTTTTTAGGGTAGAATTTCAGAACAAATTCTA[C>T]GTTGGTGCAGGCACCAAATTTGTTCCTTTCTCATTCAGTCTACTTTCATCAAAGTTCAAT-3'
Protein context (NP_036595.2, residues 820-840): LHWVEFQNKF[Tyr830=]VGAGTKFVPF

ClinVar aggregate classification (germline): Uncertain significance. Review status: criteria provided, multiple submitters, no conflicts (2 of 4 stars). 2 submissions from 2 submitters: Uncertain significance (2). Last evaluated 2025-07-29.

Conditions:
ALG9 congenital disorder of glycosylation (CDG1L). Also called: CDG Il; CONGENITAL DISORDER OF GLYCOSYLATION, TYPE Il; ALG9-CDG. Identifiers: Orphanet 79328, MedGen C2931006, MONDO:0012117, OMIM 608776.

Allele frequency attached by ClinVar (database versions not stated): gnomAD exomes 0.00001; gnomAD 0.00004; ExAC 0.00005; TOPMed 0.00007; ESP Exome Variant Server 0.00008.
gnomAD v4.1: 30 of 1,600,392 alleles (0.0019%); highest among the groups gnomAD compares: African/African-American, 0.011%; no homozygotes.

Submissions (2):

GeneDx
Classification: Uncertain significance. Last evaluated: 2025-07-29. Review status: criteria provided, single submitter. Criteria: GeneDx Variant Classification Process June 2021. Collection method: clinical testing. Allele origin: germline. Affected: yes.
Comment: Not observed at significant frequency in large population cohorts (gnomAD); In silico analysis is inconclusive as to whether the variant alters gene splicing. In the absence of RNA/functional studies, the actual effect of this sequence change is unknown.; Has not been previously published as pathogenic or benign to our knowledge

Labcorp Genetics (formerly Invitae), Labcorp
Classification: Uncertain significance for ALG9 congenital disorder of glycosylation. Last evaluated: 2022-06-16. Review status: criteria provided, single submitter. Criteria: Invitae Variant Classification Sherloc (09022015). Collection method: clinical testing. Allele origin: germline.
Comment: This sequence change affects codon 830 of the ATP6V0A2 mRNA. It is a 'silent' change, meaning that it does not change the encoded amino acid sequence of the ATP6V0A2 protein. The frequency data for this variant in the population databases is considered unreliable, as metrics indicate poor data quality at this position in the gnomAD database. This variant has not been reported in the literature in individuals affected with ATP6V0A2-related conditions. Algorithms developed to predict the effect of sequence changes on RNA splicing suggest that this variant may disrupt the consensus splice site. In summary, the available evidence is currently insufficient to determine the role of this variant in disease. Therefore, it has been classified as a Variant of Uncertain Significance.